The following is an entry in ClinVar:

ClinVar aggregate classification (germline): Uncertain significance (1 of 4 stars; one submission).

Conditions:
Cystic fibrosis (CF). Also called: MUCOVISCIDOSIS. Identifiers: Orphanet 586, MedGen C0010674, MONDO:0009061, OMIM 219700. Disease mechanism: loss of function.

Submission:

Ambry Genetics
Classification: Uncertain significance for Cystic fibrosis. Last evaluated: 2023-06-27. Review status: criteria provided, single submitter. Criteria: Ambry Variant Classification Scheme 2023. Collection method: clinical testing. Allele origin: germline.
Comment: The p.F311S variant (also known as c.932T>C), located in coding exon 8 of the CFTR gene, results from a T to C substitution at nucleotide position 932. The phenylalanine at codon 311 is replaced by serine, an amino acid with highly dissimilar properties. This amino acid position is highly conserved in available vertebrate species. In addition, this alteration is predicted to be deleterious by in silico analysis. Since supporting evidence is limited at this time, the clinical significance of this alteration remains unclear.

NM_000492.4(CFTR):c.932T>C (p.Phe311Ser)

Gene: CFTR (CF transmembrane conductance regulator; plus strand). Cytogenetic location: 7q31.2.
Variant type: single nucleotide variant.
Coding change: c.932T>C on transcript NM_000492.4 (MANE Select); coding-DNA position 932, T replaced by C.
Protein change: p.Phe311Ser; replaces phenylalanine 311 with serine.
Molecular consequence: missense variant.
Genome position (GRCh38, 1-based): chr7:117,540,162, T>C. VCF-style: chr7-117540162-T-C. GRCh37 (hg19) VCF-style: chr7-117180216-T-C.
Other names: short protein forms F311S.
Identifiers: ClinVar variation 2624965 (VCV002624965.2), dbSNP rs1584789230, ClinGen allele CA368978324.